The following is an entry in ClinVar:

ClinVar aggregate classification (germline): Uncertain significance (1 of 4 stars; one submission).

Allele frequency attached by ClinVar (database versions not stated): gnomAD 0.00001; TOPMed 0.00001.
gnomAD v4.1: 3 of 1,551,350 alleles (0.00019%); highest among the groups gnomAD compares: African/African-American, 0.0014%; no homozygotes.

Submission:

Greenwood Genetic Center Diagnostic Laboratories, Greenwood Genetic Center
Classification: Uncertain significance. Last evaluated: 2023-06-26. Review status: criteria provided, single submitter. Criteria: ACMG Guidelines, 2015. Collection method: clinical testing. Allele origin: germline. Affected: yes.
Comment: PM2

NM_001160036.2(RHOBTB2):c.2T>C (p.Met1Thr)

Genes: RHOBTB2 (Rho related BTB domain containing 2; plus strand), RHOBTB2-AS1 (RHOBTB2 antisense RNA 1; minus strand). Cytogenetic location: 8p21.3.
Variant type: single nucleotide variant.
Coding change: c.2T>C on transcript NM_001160036.2; coding-DNA position 2, T replaced by C.
Protein change: p.Met1Thr; changes the start codon (methionine 1).
Molecular consequence: missense variant, initiator codon variant.
Genome position (GRCh38, 1-based): chr8:22,994,585, T>C. VCF-style: chr8-22994585-T-C. GRCh37 (hg19) VCF-style: chr8-22852098-T-C.
Other names: short protein forms M1T.
Identifiers: ClinVar variation 2572293 (VCV002572293.2), dbSNP rs975087060, ClinGen allele CA370554578.